The following is an entry in ClinVar:

NM_000133.4(F9):c.1144T>A (p.Cys382Ser)

Gene: F9 (coagulation factor IX; plus strand). Cytogenetic location: Xq27.1.
Variant type: single nucleotide variant.
Coding change: c.1144T>A on transcript NM_000133.4 (MANE Select); coding-DNA position 1144, T replaced by A.
Protein change: p.Cys382Ser; replaces cysteine 382 with serine.
Molecular consequence: missense variant.
Genome position (GRCh38, 1-based): chrX:139,561,829, T>A. VCF-style: chrX-139561829-T-A. GRCh37 (hg19) VCF-style: chrX-138643988-T-A.
Other names: c.1030T>A, p.Cys344Ser (NM_001313913.2); short protein forms C382S, C344S.
Identifiers: ClinVar variation 116175 (VCV000116175.8), dbSNP rs137852260, ClinGen allele CA336143348.

ClinVar aggregate classification (germline): Likely pathogenic (1 of 4 stars; one submission).

Submission:

ARUP Laboratories, Molecular Genetics and Genomics, ARUP Laboratories
Classification: Likely pathogenic. Last evaluated: 2019-05-14. Review status: criteria provided, single submitter. Criteria: ARUP Molecular Germline Variant Investigation Process. Collection method: clinical testing. Allele origin: germline.
Comment: The F9 c.1144T>A; p.Cys382Ser variant (rs137852260), to our knowledge, is not described in the medical literature or in gene-specific databases. It is also absent from general population databases (Exome Variant Server and Genome Aggregation Database), indicating it is not a common polymorphism. The cysteine at codon 382 is highly conserved, and computational algorithms (PolyPhen-2, SIFT) predict that this variant is deleterious. Additionally, several other variants at this codon (c.1144T>C; p.Cys382Arg, c.1144T>G; p.Cys382Gly, and c.1145G>A; p.Cys382Tyr) have been described in multiple individuals affected with hemophilia B and are considered pathogenic (see link to F9 database and references therein). Based on available information, the p.Cys382Ser variant is considered likely pathogenic. REFERENCES Link to F9 database